The following is an entry in ClinVar:

ClinVar aggregate classification (germline): Likely benign. Review status: criteria provided, multiple submitters, no conflicts (2 of 4 stars). 3 submissions from 3 submitters: Likely benign (3). Last evaluated 2025-05-01.

Allele frequency attached by ClinVar (database versions not stated): 1000 Genomes Project 30x 0.00078; 1000 Genomes Project 0.00080.
gnomAD v4.1: 240 of 1,613,988 alleles (0.015%); highest among the groups gnomAD compares: South Asian, 0.21%; 1 homozygote.

Submissions (3):

CeGaT Center for Human Genetics Tuebingen
Classification: Likely benign. Last evaluated: 2025-05-01. Review status: criteria provided, single submitter. Criteria: CeGaT Center For Human Genetics Tuebingen Variant Classification Criteria Version 2. Collection method: clinical testing. Allele origin: germline. Affected: yes. Observed: 1 variant allele.
Comment: PDE10A: BP4, BP7

Labcorp Genetics (formerly Invitae), Labcorp
Classification: Likely benign. Last evaluated: 2025-02-17. Review status: criteria provided, single submitter. Criteria: Invitae Variant Classification Sherloc (09022015). Collection method: clinical testing. Allele origin: germline.

Blueprint Genetics
Classification: Likely benign. Last evaluated: 2024-10-23. Review status: criteria provided, single submitter. Criteria: ACMG Guidelines, 2015. Collection method: clinical testing. Allele origin: germline.

NM_001385079.1(PDE10A):c.1278C>T (p.Thr426=)

Gene: PDE10A (phosphodiesterase 10A; minus strand). Cytogenetic location: 6q27.
Variant type: single nucleotide variant.
Coding change: c.1278C>T on transcript NM_001385079.1 (MANE Select); coding-DNA position 1278, C replaced by T.
Protein change: p.Thr426=; no amino-acid change (threonine 426 retained).
Molecular consequence: synonymous variant.
Genome position (GRCh38, 1-based): chr6:165,435,294, G>A on the plus strand (C>T on the coding strand, the complement: PDE10A is on the minus strand). VCF-style: chr6-165435294-G-A. GRCh37 (hg19) VCF-style: chr6-165848782-G-A.
Other names: c.480C>T, p.Thr160= (NM_001130690.3); c.450C>T, p.Thr150= (NM_006661.4).
Identifiers: ClinVar variation 2152716 (VCV002152716.12), dbSNP rs575677994, ClinGen allele CA4092455.
Genomic context (GRCh38, chr6:165,435,294, plus strand): 5'-TACTCCAAGGATGTCTTCTACTAGCAGTGTTTTCCTGGACTTGGCCACATAAGCAGAGAC[G>A]GTGGTGCCCTGAGTGATGGGCCCAGCAGGGATGAGGCGGGGTTTTCCTTCCTTTATCCCA-3'
Protein context (NP_001372008.1, residues 416-436): IPAGPITQGT[Thr426=]VSAYVAKSRK